The following is an entry in ClinVar:

ClinVar aggregate classification (germline): Uncertain significance. Review status: criteria provided, multiple submitters, no conflicts (2 of 4 stars). 2 submissions from 2 submitters: Uncertain significance (2). Last evaluated 2026-05-01.

Conditions:
Rienhoff syndrome. Also called: LOEYS-DIETZ SYNDROME 5. Identifiers: MedGen C3810012, MONDO:0014262, OMIM 615582.
Familial thoracic aortic aneurysm and aortic dissection (TAAD). Also called: Thoracic aortic aneurysms and dissections. Identifiers: Orphanet 91387, MedGen C4707243, MONDO:0019625.

Submissions (2):

Ambry Genetics
Classification: Uncertain significance for Familial thoracic aortic aneurysm and aortic dissection. Last evaluated: 2026-05-01. Review status: criteria provided, single submitter. Criteria: Ambry Variant Classification Scheme 2023. Collection method: clinical testing. Allele origin: germline.
Comment: The c.611T>C (p.V204A) alteration is located in exon 3 (coding exon 3) of the TGFB3 gene. This alteration results from a T to C substitution at nucleotide position 611, causing the valine (V) at amino acid position 204 to be replaced by an alanine (A). This variant was not reported in population-based cohorts in the Genome Aggregation Database (gnomAD). This amino acid position is highly conserved in available vertebrate species. This alteration is predicted to be deleterious by in silico analysis. Based on insufficient or conflicting evidence, the clinical significance of this alteration remains unclear.

Labcorp Genetics (formerly Invitae), Labcorp
Classification: Uncertain significance for Rienhoff syndrome. Last evaluated: 2023-08-30. Review status: criteria provided, single submitter. Criteria: Invitae Variant Classification Sherloc (09022015). Collection method: clinical testing. Allele origin: germline.
Comment: This sequence change replaces valine, which is neutral and non-polar, with alanine, which is neutral and non-polar, at codon 204 of the TGFB3 protein (p.Val204Ala). In summary, the available evidence is currently insufficient to determine the role of this variant in disease. Therefore, it has been classified as a Variant of Uncertain Significance. Advanced modeling of protein sequence and biophysical properties (such as structural, functional, and spatial information, amino acid conservation, physicochemical variation, residue mobility, and thermodynamic stability) performed at Invitae indicates that this missense variant is not expected to disrupt TGFB3 protein function. ClinVar contains an entry for this variant (Variation ID: 477640). This variant has not been reported in the literature in individuals affected with TGFB3-related conditions. This variant is not present in population databases (gnomAD no frequency).

NM_003239.5(TGFB3):c.611T>C (p.Val204Ala)

Gene: TGFB3 (transforming growth factor beta 3; minus strand). Cytogenetic location: 14q24.3.
Variant type: single nucleotide variant.
Coding change: c.611T>C on transcript NM_003239.5 (MANE Select); coding-DNA position 611, T replaced by C.
Protein change: p.Val204Ala; replaces valine 204 with alanine.
Molecular consequence: missense variant.
Genome position (GRCh38, 1-based): chr14:75,971,161, A>G on the plus strand (T>C on the coding strand, the complement: TGFB3 is on the minus strand). VCF-style: chr14-75971161-A-G. GRCh37 (hg19) VCF-style: chr14-76437504-A-G.
Other names: c.611T>C (NM_003239.2); c.611T>C, p.Val204Ala (NM_001329938.2, NM_001329939.2); short protein forms V204A.
Identifiers: ClinVar variation 477640 (VCV000477640.12), dbSNP rs1555360774, ClinGen allele CA390469456.